The following is an entry in ClinVar:

ClinVar aggregate classification (germline): Likely pathogenic (1 of 4 stars; one submission).

Conditions:
Catecholaminergic polymorphic ventricular tachycardia 1. Also called: VENTRICULAR TACHYCARDIA, STRESS-INDUCED POLYMORPHIC 1; VENTRICULAR TACHYCARDIA, CATECHOLAMINERGIC POLYMORPHIC, 1, WITH OR WITHOUT ATRIAL DYSFUNCTION AND/OR DILATED CARDIOMYOPATHY; RYR2-Related Catecholaminergic Polymorphic Ventricular Tachycardia. Identifiers: Orphanet 3286, MedGen C1631597, MONDO:0011484, OMIM 604772.

Submission:

Labcorp Genetics (formerly Invitae), Labcorp
Classification: Likely pathogenic for Catecholaminergic polymorphic ventricular tachycardia 1. Last evaluated: 2020-04-10. Review status: criteria provided, single submitter. Criteria: Invitae Variant Classification Sherloc (09022015). Collection method: clinical testing. Allele origin: germline.
Comment: This variant has been observed in individual(s) with clinical features of catecholaminergic polymorphic ventricular tachycardia (Invitae). In at least one individual the variant was observed to be de novo. This variant is not present in population databases (ExAC no frequency). This sequence change replaces aspartic acid with glutamic acid at codon 179 of the RYR2 protein (p.Asp179Glu). The aspartic acid residue is highly conserved and there is a small physicochemical difference between aspartic acid and glutamic acid. In summary, the currently available evidence indicates that the variant is pathogenic, but additional data are needed to prove that conclusively. Therefore, this variant has been classified as Likely Pathogenic. Algorithms developed to predict the effect of missense changes on protein structure and function are either unavailable or do not agree on the potential impact of this missense change (SIFT: "Deleterious"; PolyPhen-2: "Benign"; Align-GVGD: "Class C35").

NM_001035.3(RYR2):c.537T>A (p.Asp179Glu)

Gene: RYR2 (ryanodine receptor 2; plus strand). Cytogenetic location: 1q43.
Variant type: single nucleotide variant.
Coding change: c.537T>A on transcript NM_001035.3 (MANE Select); coding-DNA position 537, T replaced by A.
Protein change: p.Asp179Glu; replaces aspartic acid 179 with glutamic acid.
Molecular consequence: missense variant.
Genome position (GRCh38, 1-based): chr1:237,377,396, T>A. VCF-style: chr1-237377396-T-A. GRCh37 (hg19) VCF-style: chr1-237540696-T-A.
Other names: short protein forms D179E.
Identifiers: ClinVar variation 1067138 (VCV001067138.48), dbSNP rs1362710187, ClinGen allele CA345375658.